The following is an entry in ClinVar:

NM_004329.3(BMPR1A):c.1430A>G (p.Lys477Arg)

Gene: BMPR1A (bone morphogenetic protein receptor type 1A; plus strand). Cytogenetic location: 10q23.2.
Variant type: single nucleotide variant.
Coding change: c.1430A>G on transcript NM_004329.3 (MANE Select); coding-DNA position 1430, A replaced by G.
Protein change: p.Lys477Arg; replaces lysine 477 with arginine.
Molecular consequence: missense variant.
Genome position (GRCh38, 1-based): chr10:86,923,463, A>G. VCF-style: chr10-86923463-A-G. GRCh37 (hg19) VCF-style: chr10-88683220-A-G.
Other names: short protein forms K477R.
Identifiers: ClinVar variation 952051 (VCV000952051.13), dbSNP rs767995260, ClinGen allele CA5585717.

ClinVar aggregate classification (germline): Conflicting classifications of pathogenicity. Review status: criteria provided, conflicting classifications (1 of 4 stars). 4 submissions from 4 submitters: Uncertain significance (3); Benign (1). Last evaluated 2025-08-30.

Conditions:
Hereditary cancer-predisposing syndrome. Also called: Hereditary neoplastic syndrome; Tumor predisposition; Neoplastic Syndromes, Hereditary; Hereditary Cancer Syndrome. Identifiers: Orphanet 140162, MedGen C0027672, MeSH D009386, MONDO:0015356.
Juvenile polyposis syndrome (JPS). Identifiers: Orphanet 2929, MedGen C0345893, MONDO:0017380, OMIM 174900.

Allele frequency attached by ClinVar (database versions not stated): gnomAD exomes 0.00001; ExAC 0.00002.
gnomAD v4.1: 8 of 1,614,234 alleles (0.0005%); highest among the groups gnomAD compares: East Asian, 0.0022%; no homozygotes.

Submissions (4):

Labcorp Genetics (formerly Invitae), Labcorp
Classification: Uncertain significance for Juvenile polyposis syndrome. Last evaluated: 2025-08-30. Review status: criteria provided, single submitter. Criteria: Invitae Variant Classification Sherloc (09022015). Collection method: clinical testing. Allele origin: germline.
Comment: This sequence change replaces lysine, which is basic and polar, with arginine, which is basic and polar, at codon 477 of the BMPR1A protein (p.Lys477Arg). This variant is present in population databases (rs767995260, gnomAD 0.006%). This variant has not been reported in the literature in individuals affected with BMPR1A-related conditions. ClinVar contains an entry for this variant (Variation ID: 952051). Invitae Evidence Modeling of protein sequence and biophysical properties (such as structural, functional, and spatial information, amino acid conservation, physicochemical variation, residue mobility, and thermodynamic stability) indicates that this missense variant is not expected to disrupt BMPR1A protein function with a negative predictive value of 80%. In summary, the available evidence is currently insufficient to determine the role of this variant in disease. Therefore, it has been classified as a Variant of Uncertain Significance.

GeneDx
Classification: Uncertain significance. Last evaluated: 2023-12-15. Review status: criteria provided, single submitter. Criteria: GeneDx Variant Classification Process June 2021. Collection method: clinical testing. Allele origin: germline. Affected: yes.
Comment: Not observed at significant frequency in large population cohorts (gnomAD); In silico analysis supports that this missense variant does not alter protein structure/function; Observed in an individual with colorectal cancer (PMID: 32459922); This variant is associated with the following publications: (PMID: 32459922)

Ambry Genetics
Classification: Benign for Hereditary cancer-predisposing syndrome. Last evaluated: 2022-11-10. Review status: criteria provided, single submitter. Criteria: Ambry Variant Classification Scheme 2023. Collection method: clinical testing. Allele origin: germline.

Color Diagnostics, LLC DBA Color Health
Classification: Uncertain significance for Hereditary cancer-predisposing syndrome. Last evaluated: 2021-07-27. Review status: criteria provided, single submitter. Criteria: ACMG Guidelines, 2015. Collection method: clinical testing. Allele origin: germline.
Comment: This missense variant replaces lysine with arginine at codon 477 of the BMPR1A protein. Computational prediction suggests that this variant may not impact protein structure and function (internally defined REVEL score threshold <= 0.5, PMID: 27666373). To our knowledge, functional studies have not been reported for this variant. This variant has not been reported in individuals affected with hereditary cancer in the literature. This variant has been identified in 2/251494 chromosomes in the general population by the Genome Aggregation Database (gnomAD). The available evidence is insufficient to determine the role of this variant in disease conclusively. Therefore, this variant is classified as a Variant of Uncertain Significance.

Literature cited by the submitters: PubMed 32459922 (cited by Ambry Genetics).